The following is an entry in ClinVar:

ClinVar aggregate classification (germline): Likely benign. Review status: criteria provided, multiple submitters, no conflicts (2 of 4 stars). 2 submissions from 2 submitters: Likely benign (2). Last evaluated 2023-10-04.

Allele frequency attached by ClinVar (database versions not stated): gnomAD exomes below 0.00001 and 0.00002; gnomAD 0.00001; TOPMed 0.00001.
gnomAD v4.1: 6 of 1,612,372 alleles (0.00037%); highest among the groups gnomAD compares: Admixed American, 0.0083%; no homozygotes.

Submissions (2):

Labcorp Genetics (formerly Invitae), Labcorp
Classification: Likely benign. Last evaluated: 2023-10-04. Review status: criteria provided, single submitter. Criteria: Invitae Variant Classification Sherloc (09022015). Collection method: clinical testing. Allele origin: germline.

GeneDx
Classification: Likely benign. Last evaluated: 2018-02-06. Review status: criteria provided, single submitter. Criteria: GeneDx Variant Classification (06012015). Collection method: clinical testing. Allele origin: germline. Affected: yes.
Comment: This variant is considered likely benign or benign based on one or more of the following criteria: it is a conservative change, it occurs at a poorly conserved position in the protein, it is predicted to be benign by multiple in silico algorithms, and/or has population frequency not consistent with disease.

NM_032119.4(ADGRV1):c.8784A>T (p.Gly2928=)

Gene: ADGRV1 (adhesion G protein-coupled receptor V1; plus strand). Cytogenetic location: 5q14.3.
Variant type: single nucleotide variant.
Coding change: c.8784A>T on transcript NM_032119.4 (MANE Select); coding-DNA position 8784, A replaced by T.
Protein change: p.Gly2928=; no amino-acid change (glycine 2928 retained).
Molecular consequence: synonymous variant. On other transcripts: non-coding transcript variant (1).
Genome position (GRCh38, 1-based): chr5:90,708,869, A>T. VCF-style: chr5-90708869-A-T. GRCh37 (hg19) VCF-style: chr5-90004686-A-T.
Identifiers: ClinVar variation 515159 (VCV000515159.4), dbSNP rs955913647, ClinGen allele CA122803983.
Genomic context (GRCh38, chr5:90,708,869, plus strand): 5'-TTTTCAGGATGATGTACCAGAGCTAGAAGAATATTTCCTGGTGAATTTAACTTACGTTGG[A>T]CTTACCATGGCTGCTTCAACTTCATTTCCTCCCAGACTAGGTATGAGGGGTTTCTTGTTT-3'
Protein context (NP_115495.3, residues 2918-2938): EYFLVNLTYV[Gly2928=]LTMAASTSFP